The following is an entry in ClinVar:

NM_000038.6(APC):c.6401C>A (p.Ser2134Tyr)

Gene: APC (APC regulator of Wnt signaling pathway; plus strand). Cytogenetic location: 5q22.2.
Variant type: single nucleotide variant.
Coding change: c.6401C>A on transcript NM_000038.6 (MANE Select); coding-DNA position 6401, C replaced by A.
Protein change: p.Ser2134Tyr; replaces serine 2134 with tyrosine.
Molecular consequence: missense variant.
Genome position (GRCh38, 1-based): chr5:112,841,995, C>A. VCF-style: chr5-112841995-C-A. GRCh37 (hg19) VCF-style: chr5-112177692-C-A.
Other names: c.6401C>A, p.Ser2134Tyr (NM_001127510.3, NM_001354895.2); c.6347C>A, p.Ser2116Tyr (NM_001127511.3); c.6455C>A, p.Ser2152Tyr (NM_001354896.2); c.6431C>A, p.Ser2144Tyr (NM_001354897.2); c.6326C>A, p.Ser2109Tyr (NM_001354898.2); c.6317C>A, p.Ser2106Tyr (NM_001354899.2); c.6278C>A, p.Ser2093Tyr (NM_001354900.2); c.6224C>A, p.Ser2075Tyr (NM_001354901.2); and 5 more; short protein forms S2116Y, S2134Y, S2106Y, S1851Y, S2033Y, S2152Y, S1974Y, S2008Y.
Identifiers: ClinVar variation 489481 (VCV000489481.14), dbSNP rs906640629, ClinGen allele CA16035347.
Genomic context (GRCh38, chr5:112,841,995, plus strand): 5'-GTTTACATCAAGCTGCTGCTGCTGCATGTTTATCTAGACAAGCTTCGTCTGATTCAGATT[C>A]CATCCTTTCCCTGAAATCAGGAATCTCTCTGGGATCACCATTTCATCTTACACCTGATCA-3'
Protein context (NP_000029.2, residues 2124-2144): LSRQASSDSD[Ser2134Tyr]ILSLKSGISL

ClinVar aggregate classification (germline): Uncertain significance. Review status: criteria provided, multiple submitters, no conflicts (2 of 4 stars). 3 submissions from 3 submitters: Uncertain significance (3). Last evaluated 2024-10-22.

Conditions:
Hereditary cancer-predisposing syndrome. Also called: Hereditary Cancer Syndrome; Neoplastic Syndromes, Hereditary; Tumor predisposition; Hereditary neoplastic syndrome. Identifiers: Orphanet 140162, MedGen C0027672, MeSH D009386, MONDO:0015356.
Familial adenomatous polyposis 1 (FAP1). Also called: POLYPOSIS, ADENOMATOUS INTESTINAL; FAMILIAL ADENOMATOUS POLYPOSIS 1, ATTENUATED. Identifiers: MedGen C2713442, MONDO:0021056, OMIM 175100. Disease mechanism: loss of function.

Submissions (3):

Labcorp Genetics (formerly Invitae), Labcorp
Classification: Uncertain significance for Familial adenomatous polyposis 1. Last evaluated: 2024-10-22. Review status: criteria provided, single submitter. Criteria: Invitae Variant Classification Sherloc (09022015). Collection method: clinical testing. Allele origin: germline.
Comment: This sequence change replaces serine, which is neutral and polar, with tyrosine, which is neutral and polar, at codon 2134 of the APC protein (p.Ser2134Tyr). This variant is not present in population databases (gnomAD no frequency). This variant has not been reported in the literature in individuals affected with APC-related conditions. ClinVar contains an entry for this variant (Variation ID: 489481). Invitae Evidence Modeling of protein sequence and biophysical properties (such as structural, functional, and spatial information, amino acid conservation, physicochemical variation, residue mobility, and thermodynamic stability) has been performed for this missense variant. However, the output from this modeling did not meet the statistical confidence thresholds required to predict the impact of this variant on APC protein function. In summary, the available evidence is currently insufficient to determine the role of this variant in disease. Therefore, it has been classified as a Variant of Uncertain Significance.

Color Diagnostics, LLC DBA Color Health
Classification: Uncertain significance for Hereditary cancer-predisposing syndrome. Last evaluated: 2023-12-05. Review status: criteria provided, single submitter. Criteria: ACMG Guidelines, 2015. Collection method: clinical testing. Allele origin: germline.
Comment: This missense variant replaces serine with tyrosine at codon 2134 of the APC protein. Computational prediction suggests that this variant may have deleterious impact on protein structure and function (internally defined REVEL score threshold >= 0.7, PMID: 27666373). To our knowledge, functional studies have not been reported for this variant. This variant has not been reported in individuals affected with APC-related disorders in the literature. This variant has not been identified in the general population by the Genome Aggregation Database (gnomAD). The available evidence is insufficient to determine the role of this variant in disease conclusively. Therefore, this variant is classified as a Variant of Uncertain Significance.

Ambry Genetics
Classification: Uncertain significance for Hereditary cancer-predisposing syndrome. Last evaluated: 2022-05-05. Review status: criteria provided, single submitter. Criteria: Ambry Variant Classification Scheme 2023. Collection method: clinical testing. Allele origin: germline.
Comment: The p.S2134Y variant (also known as c.6401C>A), located in coding exon 15 of the APC gene, results from a C to A substitution at nucleotide position 6401. The serine at codon 2134 is replaced by tyrosine, an amino acid with dissimilar properties. This amino acid position is conserved. In addition, in silico predictors for this gene do not accurately predict pathogenicity. Since supporting evidence is limited at this time, the clinical significance of this alteration remains unclear.